The following is an entry in ClinVar:

NM_172107.4(KCNQ2):c.1023+9A>G

Gene: KCNQ2 (potassium voltage-gated channel subfamily Q member 2; minus strand). Cytogenetic location: 20q13.33.
Variant type: single nucleotide variant.
Coding change: c.1023+9A>G on transcript NM_172107.4 (MANE Select); 9 bases into the intron after coding-DNA position 1023, A replaced by G.
Molecular consequence: intron variant.
Genome position (GRCh38, 1-based): chr20:63,438,616, T>C on the plus strand (A>G on the coding strand, the complement: KCNQ2 is on the minus strand). VCF-style: chr20-63438616-T-C. GRCh37 (hg19) VCF-style: chr20-62069969-T-C.
Other names: c.1023+9A>G (NM_004518.6, NM_172108.5, NM_172106.3 and 2 more transcripts).
Identifiers: ClinVar variation 138018 (VCV000138018.13), dbSNP rs201787699, ClinGen allele CA291790.

ClinVar aggregate classification (germline): Benign/Likely benign. Review status: criteria provided, multiple submitters, no conflicts (2 of 4 stars). 3 submissions from 3 submitters: Benign (1); Likely benign (2). Last evaluated 2025-12-26.

Conditions:
Early-infantile DEE. Also called: Early infantile epileptic encephalopathy with suppression bursts; Ohtahara syndrome; Early infantile epileptic encephalopathy. Identifiers: Orphanet 1934, MedGen C0393706, MONDO:0800491.

Allele frequency attached by ClinVar (database versions not stated): gnomAD exomes 0.00001 and 0.00002; ExAC 0.00002; gnomAD 0.00004 and 0.00006; TOPMed 0.00015; 1000 Genomes Project 0.00060; 1000 Genomes Project 30x 0.00062.
gnomAD v4.1: 20 of 1,612,468 alleles (0.0012%); highest among the groups gnomAD compares: Admixed American, 0.025%; no homozygotes.

Submissions (3):

Labcorp Genetics (formerly Invitae), Labcorp
Classification: Likely benign for Early-infantile DEE. Last evaluated: 2025-12-26. Review status: criteria provided, single submitter. Criteria: Invitae Variant Classification Sherloc (09022015). Collection method: clinical testing. Allele origin: germline.

Athena Diagnostics
Classification: Likely benign. Last evaluated: 2024-02-20. Review status: criteria provided, single submitter. Criteria: Athena Diagnostics Criteria. Collection method: clinical testing. Allele origin: unknown.

GeneDx
Classification: Benign. Last evaluated: 2014-02-24. Review status: criteria provided, single submitter. Criteria: GeneDx Variant Classification (06012015). Collection method: clinical testing. Allele origin: germline. Affected: yes.
Comment: This variant is considered likely benign or benign based on one or more of the following criteria: it is a conservative change, it occurs at a poorly conserved position in the protein, it is predicted to be benign by multiple in silico algorithms, and/or has population frequency not consistent with disease.